The following is an entry in ClinVar:

ClinVar aggregate classification (germline): Uncertain significance (1 of 4 stars; one submission).

Conditions:
Dyskeratosis congenita. Identifiers: Orphanet 1775, MedGen C0265965, MONDO:0015780.

gnomAD v4.1: 1 of 1,614,114 alleles (0.000062%); highest among the groups gnomAD compares: Non-Finnish European, 0.000085%; no homozygotes.

Submission:

Labcorp Genetics (formerly Invitae), Labcorp
Classification: Uncertain significance for Dyskeratosis congenita. Last evaluated: 2018-11-04. Review status: criteria provided, single submitter. Criteria: Invitae Variant Classification Sherloc (09022015). Collection method: clinical testing. Allele origin: germline.
Comment: In summary, the available evidence is currently insufficient to determine the role of this variant in disease. Therefore, it has been classified as a Variant of Uncertain Significance. Algorithms developed to predict the effect of missense changes on protein structure and function (SIFT, PolyPhen-2, Align-GVGD) all suggest that this variant is likely to be tolerated, but these predictions have not been confirmed by published functional studies and their clinical significance is uncertain. This variant has not been reported in the literature in individuals with TINF2-related disease. This variant is not present in population databases (ExAC no frequency). This sequence change replaces arginine with lysine at codon 190 of the TINF2 protein (p.Arg190Lys). The arginine residue is weakly conserved and there is a small physicochemical difference between arginine and lysine.

NM_001099274.3(TINF2):c.569G>A (p.Arg190Lys)

Gene: TINF2 (TERF1 interacting nuclear factor 2; minus strand). Cytogenetic location: 14q12.
Variant type: single nucleotide variant.
Coding change: c.569G>A on transcript NM_001099274.3 (MANE Select); coding-DNA position 569, G replaced by A.
Protein change: p.Arg190Lys; replaces arginine 190 with lysine.
Molecular consequence: missense variant.
Genome position (GRCh38, 1-based): chr14:24,241,055, C>T on the plus strand (G>A on the coding strand, the complement: TINF2 is on the minus strand). VCF-style: chr14-24241055-C-T. GRCh37 (hg19) VCF-style: chr14-24710261-C-T.
Other names: c.464G>A, p.Arg155Lys (NM_001363668.2); c.569G>A, p.Arg190Lys (NM_012461.3); short protein forms R190K, R155K.
Identifiers: ClinVar variation 642148 (VCV000642148.8), dbSNP rs1382407347, ClinGen allele CA389230527.
Genomic context (GRCh38, chr14:24,241,055, plus strand): 5'-CACTACACCTCCAAATTCCTAGTACCTGGAAGCAGCCACCCCATGTCCACACCATATTGT[C>T]TCCAGGCAAGAGAAGAGGTGATAGAGACTCCAGGCTGCATCCAACTCAGCACATCCTGAA-3'
Protein context (NP_001092744.1, residues 180-200): GVSITSSLAW[Arg190Lys]QYGVDMGWLL